The following is an entry in ClinVar:

ClinVar aggregate classification (germline): Uncertain significance (1 of 4 stars; one submission).

Conditions:
Hereditary cancer-predisposing syndrome. Also called: Neoplastic Syndromes, Hereditary; Tumor predisposition; Hereditary Cancer Syndrome; Hereditary neoplastic syndrome. Identifiers: Orphanet 140162, MedGen C0027672, MeSH D009386, MONDO:0015356.

Submission:

Ambry Genetics
Classification: Uncertain significance for Hereditary cancer-predisposing syndrome. Last evaluated: 2024-10-15. Review status: criteria provided, single submitter. Criteria: Ambry Variant Classification Scheme 2023. Collection method: clinical testing. Allele origin: germline.
Comment: The p.S10I variant (also known as c.29G>T), located in coding exon 1 of the NF2 gene, results from a G to T substitution at nucleotide position 29. The serine at codon 10 is replaced by isoleucine, an amino acid with dissimilar properties. This amino acid position is conserved. In addition, the in silico prediction for this alteration is inconclusive. Based on the available evidence, the clinical significance of this variant remains unclear.

NM_000268.4(NF2):c.29G>T (p.Ser10Ile)

Gene: NF2 (NF2, moesin-ezrin-radixin like (MERLIN) tumor suppressor; plus strand). Cytogenetic location: 22q12.2.
Variant type: single nucleotide variant.
Coding change: c.29G>T on transcript NM_000268.4 (MANE Select); coding-DNA position 29, G replaced by T.
Protein change: p.Ser10Ile; replaces serine 10 with isoleucine.
Molecular consequence: missense variant. On other transcripts: 5 prime UTR variant (4), non-coding transcript variant (1).
Genome position (GRCh38, 1-based): chr22:29,604,027, G>T. VCF-style: chr22-29604027-G-T. GRCh37 (hg19) VCF-style: chr22-30000016-G-T.
Other names: c.-202G>T (NM_001407053.1, NM_001407056.1); c.29G>T, p.Ser10Ile (NM_001407054.1, NM_001407055.1, NM_001407057.1 and 15 more transcripts); c.-612G>T (NM_001407065.1); c.-228G>T (NM_001407067.1); short protein forms S10I.
Identifiers: ClinVar variation 3405010 (VCV003405010.1).
Genomic context (GRCh38, chr22:29,604,027, plus strand): 5'-GGCGCGAGGGTCCCGGGCCTGAGCCCCGCGCCATGGCCGGGGCCATCGCTTCCCGCATGA[G>T]CTTCAGCTCTCTCAAGAGGAAGCAACCCAAGACGTTCACCGTGAGGATCGTCACCATGGA-3'
Protein context (NP_000259.1, residues 1-20): MAGAIASRM[Ser10Ile]FSSLKRKQPK